The following is an entry in ClinVar:

ClinVar aggregate classification (germline): Uncertain significance (1 of 4 stars; one submission).

Submission:

Labcorp Genetics (formerly Invitae), Labcorp
Classification: Uncertain significance. Last evaluated: 2025-10-13. Review status: criteria provided, single submitter. Criteria: Invitae Variant Classification Sherloc (09022015). Collection method: clinical testing. Allele origin: germline.
Comment: This sequence change replaces methionine, which is neutral and non-polar, with arginine, which is basic and polar, at codon 5492 of the HMCN1 protein (p.Met5492Arg). This variant is not present in population databases (gnomAD no frequency). This variant has not been reported in the literature in individuals affected with HMCN1-related conditions. An algorithm developed to predict the effect of missense changes on protein structure and function (PolyPhen-2) suggests that this variant is likely to be tolerated. In summary, the available evidence is currently insufficient to determine the role of this variant in disease. Therefore, it has been classified as a Variant of Uncertain Significance.

NM_031935.3(HMCN1):c.16475T>G (p.Met5492Arg)

Genes: HMCN1 (hemicentin 1; plus strand), LOC126805953 (P300/CBP strongly-dependent group 1 enhancer GRCh37_chr1:186156636-186157835; plus strand). Cytogenetic location: 1q31.1.
Variant type: single nucleotide variant.
Coding change: c.16475T>G on transcript NM_031935.3 (MANE Select); coding-DNA position 16475, T replaced by G.
Protein change: p.Met5492Arg; replaces methionine 5492 with arginine.
Molecular consequence: missense variant.
Genome position (GRCh38, 1-based): chr1:186,187,943, T>G. VCF-style: chr1-186187943-T-G. GRCh37 (hg19) VCF-style: chr1-186157075-T-G.
Other names: short protein forms M5492R.
Identifiers: ClinVar variation 4710173 (VCV004710173.1).